The following is an entry in ClinVar:

ClinVar aggregate classification (germline): Uncertain significance (1 of 4 stars; one submission).

Conditions:
Congenital disorder of glycosylation, type Ii. Also called: CDG Ii; ALG2-congenital disorder of glycosylation; ALG2-CDG. Identifiers: Orphanet 79326, MedGen C1842836, MONDO:0011933, OMIM 607906.
Congenital myasthenic syndrome 14. Also called: Myasthenic syndrome, congenital, 14, with tubular aggregates. Identifiers: Orphanet 353327, Orphanet 590, MedGen C4015597, MONDO:0014543, OMIM 616228.

Allele frequency attached by ClinVar (database versions not stated): ExAC below 0.00001; gnomAD 0.00006 and 0.00007; gnomAD exomes 0.00012; TOPMed 0.00006; 1000 Genomes Project 30x 0.00047.
gnomAD v4.1: 41 of 1,543,654 alleles (0.0027%); highest among the groups gnomAD compares: East Asian, 0.098%; no homozygotes.

Submission:

Labcorp Genetics (formerly Invitae), Labcorp
Classification: Uncertain significance for Congenital disorder of glycosylation, type Ii; Congenital myasthenic syndrome 14. Last evaluated: 2021-08-26. Review status: criteria provided, single submitter. Criteria: Invitae Variant Classification Sherloc (09022015). Collection method: clinical testing. Allele origin: germline.
Comment: This sequence change replaces glutamine with glutamic acid at codon 116 of the ALG2 protein (p.Gln116Glu). The glutamine residue is highly conserved and there is a small physicochemical difference between glutamine and glutamic acid. The frequency data for this variant in the population databases is considered unreliable, as metrics indicate poor data quality at this position in the ExAC database. This variant has not been reported in the literature in individuals affected with ALG2-related conditions. Algorithms developed to predict the effect of missense changes on protein structure and function are either unavailable or do not agree on the potential impact of this missense change (SIFT: "Tolerated"; PolyPhen-2: "Possibly Damaging"; Align-GVGD: "Class C0"). In summary, the available evidence is currently insufficient to determine the role of this variant in disease. Therefore, it has been classified as a Variant of Uncertain Significance.

NM_033087.4(ALG2):c.346C>G (p.Gln116Glu)

Gene: ALG2 (ALG2 alpha-1,3/1,6-mannosyltransferase; minus strand). Cytogenetic location: 9q22.33.
Variant type: single nucleotide variant.
Coding change: c.346C>G on transcript NM_033087.4 (MANE Select); coding-DNA position 346, C replaced by G.
Protein change: p.Gln116Glu; replaces glutamine 116 with glutamic acid.
Molecular consequence: missense variant. On other transcripts: non-coding transcript variant (1).
Genome position (GRCh38, 1-based): chr9:99,221,549, G>C on the plus strand (C>G on the coding strand, the complement: ALG2 is on the minus strand). VCF-style: chr9-99221549-G-C. GRCh37 (hg19) VCF-style: chr9-101983831-G-C.
Other names: short protein forms Q116E.
Identifiers: ClinVar variation 666047 (VCV000666047.8), dbSNP rs754476664, ClinGen allele CA5156418.
Genomic context (GRCh38, chr9:99,221,549, plus strand): 5'-GCGGCCGCCCTCCACGGCGAGGTCCGCACTCGCGCAGCCGGCCCCGCGGCCGCCTCACCT[G>C]GTCGCACACTACCACGTCGAACTCCTCGTCGGCGAGGAACAGCACGTAGAGCGCCAGGAA-3'
Protein context (NP_149078.1, residues 106-126): DEEFDVVVCD[Gln116Glu]VSACIPVFRL